The following is an entry in ClinVar:

ClinVar aggregate classification (germline): Benign (1 of 4 stars; one submission).

Submission:

ISCA site 4
Classification: Benign. Last evaluated: 2011-08-12. Review status: criteria provided, single submitter. Criteria: Kaminsky et al. (Genet Med. 2011). Collection method: clinical testing. Allele origin: unknown. Affected: yes. Observed: 1 variant allele.
Comment: Copy number variation identified through the course of routine clinical cytogenomic testing in postnatal populations. Clinical assertions have been curated as described in Kaminsky et al. 2011.

GRCh38/hg38 10q26.3(chr10:133503306-133591019)x3

Genes: CYP2E1 (cytochrome P450 family 2 subfamily E member 1; plus strand), SYCE1 (synaptonemal complex central element protein 1; minus strand), LOC110599585 (CYP2E1 5' regulatory region; plus strand), LOC126861107 (BRD4-independent group 4 enhancer GRCh37_chr10:135344892-135346091; plus strand), LOC130005036 (ATAC-STARR-seq lymphoblastoid silent region 2984; plus strand). Cytogenetic location: 10q26.3.
Variant type: copy number gain.
Change: copy number 3 (three copies instead of two) of chr10:133,503,306-133,591,019 (87.7 kb, GRCh38 coordinates, 1-based), cytogenetic band 10q26.3.
Identifiers: ClinVar variation 57305 (VCV000057305.1).